The following is an entry in ClinVar:

NC_000012.12:g.121641056G>A

Gene: ORAI1 (ORAI calcium release-activated calcium modulator 1; plus strand). Cytogenetic location: 12q24.31.
Variant type: single nucleotide variant.
Genome position: GRCh38 VCF-style: chr12-121641056-G-A. GRCh37 (hg19) VCF-style: chr12-122078962-G-A.
Other names: c.319G>A, p.Val107Met (NM_032790.4); short protein forms V107M.
Identifiers: ClinVar variation 1069742 (VCV001069742.7), dbSNP rs2136852410, ClinGen allele CA386982869.
Genomic context (GRCh38, chr12:121,641,056, plus strand): 5'-TGTGGGCTGGGACCGCTGGCACTCATCCTGCCTGTCCCCCCGCAGGTGGCAATGGTGGAG[G>A]TGCAGCTGGACGCTGACCACGACTACCCACCGGGGCTGCTCATCGCCTTCAGTGCCTGCA-3'

ClinVar aggregate classification (germline): Pathogenic (1 of 4 stars; one submission).

Conditions:
Myopathy, tubular aggregate, 2 (TAM2). Identifiers: MedGen C4014557, MONDO:0014383, OMIM 615883.
Combined immunodeficiency due to ORAI1 deficiency. Also called: IMMUNODEFICIENCY 9. Identifiers: Orphanet 169090, Orphanet 317428, MedGen C2748568, MONDO:0013007, OMIM 612782.

Submission:

Labcorp Genetics (formerly Invitae), Labcorp
Classification: Pathogenic for Myopathy, tubular aggregate, 2; Combined immunodeficiency due to ORAI1 deficiency. Last evaluated: 2020-01-15. Review status: criteria provided, single submitter. Criteria: Invitae Variant Classification Sherloc (09022015). Collection method: clinical testing. Allele origin: germline.
Comment: For these reasons, this variant has been classified as Pathogenic. This variant has been reported to affect ORAI1 protein function (PMID: 28058752, 30382595). This variant has been observed in individual(s) with tubular aggregate myopathy (PMID: 28058752). It has also been observed to segregate with disease in related individuals. This variant is not present in population databases (ExAC no frequency). This sequence change replaces valine with methionine at codon 107 of the ORAI1 protein (p.Val107Met). The valine residue is highly conserved and there is a small physicochemical difference between valine and methionine.

Literature cited by the submitters: PubMed 28058752; PubMed 30382595.